The following is an entry in ClinVar:

ClinVar aggregate classification (germline): Uncertain significance (1 of 4 stars; one submission).

Conditions:
Epidermolysis bullosa simplex 3, localized or generalized intermediate, with BP230 deficiency (EBS3). Also called: Epidermolysis bullosa simplex, autosomal recessive 2; Epidermolysis bullosa simplex due to BP230 deficiency. Identifiers: Orphanet 412181, MedGen C3809470, MONDO:0014180, OMIM 615425.
Hereditary sensory and autonomic neuropathy type 6. Also called: Neuropathy, hereditary sensory and autonomic, type VI; HSAN VI. Identifiers: Orphanet 314381, MedGen C3539003, MONDO:0013839, OMIM 614653.

Allele frequency attached by ClinVar (database versions not stated): gnomAD exomes below 0.00001; ExAC 0.00001.
gnomAD v4.1: 1 of 1,613,968 alleles (0.000062%); highest among the groups gnomAD compares: South Asian, 0.0011%; no homozygotes.

Submission:

Labcorp Genetics (formerly Invitae), Labcorp
Classification: Uncertain significance for Epidermolysis bullosa simplex 3, localized or generalized intermediate, with BP230 deficiency; Hereditary sensory and autonomic neuropathy type 6. Last evaluated: 2021-10-01. Review status: criteria provided, single submitter. Criteria: Invitae Variant Classification Sherloc (09022015). Collection method: clinical testing. Allele origin: germline.
Comment: This sequence change replaces cysteine with glycine at codon 2316 of the DST protein (p.Cys2316Gly). The DST gene has multiple clinically relevant transcripts. This variant occurs in alternate transcript NM_015548.4, and corresponds to NM_001723.5:c.*59851T>G in the primary transcript. This variant is present in population databases (rs760195128, ExAC 0.006%). This variant has not been reported in the literature in individuals affected with DST-related conditions. Algorithms developed to predict the effect of sequence changes on RNA splicing suggest that this variant may create or strengthen a splice site. In summary, the available evidence is currently insufficient to determine the role of this variant in disease. Therefore, it has been classified as a Variant of Uncertain Significance.

NM_001374736.1(DST):c.14815T>G (p.Cys4939Gly)

Gene: DST (dystonin; minus strand). Cytogenetic location: 6p12.1.
Variant type: single nucleotide variant.
Coding change: c.14815T>G on transcript NM_001374736.1 (MANE Select); coding-DNA position 14815, T replaced by G.
Protein change: p.Cys4939Gly; replaces cysteine 4939 with glycine.
Molecular consequence: missense variant.
Genome position (GRCh38, 1-based): chr6:56,555,666, A>C on the plus strand (T>G on the coding strand, the complement: DST is on the minus strand). VCF-style: chr6-56555666-A-C. GRCh37 (hg19) VCF-style: chr6-56420464-A-C.
Other names: c.8458T>G, p.Cys2820Gly (NM_001144769.5); c.8044T>G, p.Cys2682Gly (NM_001144770.2); c.14815T>G, p.Cys4939Gly (NM_001374722.1); c.14182T>G, p.Cys4728Gly (NM_001374729.1); c.7924T>G, p.Cys2642Gly (NM_001374730.1, NM_001386100.1, NM_183380.4); c.14842T>G, p.Cys4948Gly (NM_001374734.1); c.6946T>G, p.Cys2316Gly (NM_015548.5); short protein forms C2682G, C2316G, C4948G, C2642G, C4728G, C4939G, C2820G.
Identifiers: ClinVar variation 1493723 (VCV001493723.6), dbSNP rs760195128, ClinGen allele CA3867922.